The following is an entry in ClinVar:

ClinVar aggregate classification (germline): Uncertain significance. Review status: criteria provided, multiple submitters, no conflicts (2 of 4 stars). 2 submissions from 2 submitters: Uncertain significance (2). Last evaluated 2026-03-12.

Conditions:
Emery-Dreifuss muscular dystrophy (EDMD). Also called: Scapuloperoneal syndrome, X-linked (formerly); Humeroperoneal neuromuscular disease, (formerly). Identifiers: Orphanet 261, MedGen C0410189, MONDO:0016830.

Allele frequency attached by ClinVar (database versions not stated): ExAC 0.00017; gnomAD 0.00017; gnomAD exomes 0.00018 and 0.00029; TOPMed 0.00020; ESP Exome Variant Server 0.00032.
gnomAD v4.1: 454 of 1,612,664 alleles (0.028%); highest among the groups gnomAD compares: Non-Finnish European, 0.035%; no homozygotes.

Submissions (2):

Ambry Genetics
Classification: Uncertain significance. Last evaluated: 2026-03-12. Review status: criteria provided, single submitter. Criteria: Ambry Variant Classification Scheme 2023. Collection method: clinical testing. Allele origin: germline.

Labcorp Genetics (formerly Invitae), Labcorp
Classification: Uncertain significance for Emery-Dreifuss muscular dystrophy. Last evaluated: 2025-08-12. Review status: criteria provided, single submitter. Criteria: Invitae Variant Classification Sherloc (09022015). Collection method: clinical testing. Allele origin: germline.
Comment: This sequence change replaces alanine, which is neutral and non-polar, with threonine, which is neutral and polar, at codon 179 of the SUN1 protein (p.Ala179Thr). This variant is present in population databases (rs200430189, gnomAD 0.05%). This variant has not been reported in the literature in individuals affected with SUN1-related conditions. ClinVar contains an entry for this variant (Variation ID: 580749). An algorithm developed to predict the effect of missense changes on protein structure and function outputs the following: PolyPhen-2: "Benign". The threonine amino acid residue is found in multiple mammalian species, which suggests that this missense change does not adversely affect protein function. In summary, the available evidence is currently insufficient to determine the role of this variant in disease. Therefore, it has been classified as a Variant of Uncertain Significance.

NM_001130965.3(SUN1):c.535G>A (p.Ala179Thr)

Gene: SUN1 (Sad1 and UNC84 domain containing 1; plus strand). Cytogenetic location: 7p22.3.
Variant type: single nucleotide variant.
Coding change: c.535G>A on transcript NM_001130965.3 (MANE Select); coding-DNA position 535, G replaced by A.
Protein change: p.Ala179Thr; replaces alanine 179 with threonine.
Molecular consequence: missense variant. On other transcripts: synonymous variant (1), 5 prime UTR variant (3), non-coding transcript variant (3), intron variant (1).
Genome position (GRCh38, 1-based): chr7:843,397, G>A. VCF-style: chr7-843397-G-A. GRCh37 (hg19) VCF-style: chr7-883034-G-A.
Other names: c.598G>A, p.Ala200Thr (NM_001171945.2); c.535G>A, p.Ala179Thr (NM_001171946.2, NM_001367633.1, NM_001367634.1 and 32 more transcripts); c.78G>A, p.Pro26= (NM_001367635.1); c.385G>A, p.Ala129Thr (NM_001367636.1, NM_001367644.1, NM_001367645.1 and 23 more transcripts); c.-33G>A (NM_001367639.1, NM_001367708.1); c.754G>A, p.Ala252Thr (NM_001367651.1); c.-227G>A (NM_001367658.1); c.562G>A, p.Ala188Thr (NM_001367669.1); and 2 more; short protein forms A179T, A200T, A116T, A129T, A188T, A252T.
Identifiers: ClinVar variation 580749 (VCV000580749.11), dbSNP rs200430189, ClinGen allele CA4111587.